The following is an entry in ClinVar:

NM_000722.4(CACNA2D1):c.448A>G (p.Ile150Val)

Gene: CACNA2D1 (calcium voltage-gated channel auxiliary subunit alpha2delta 1; minus strand). Cytogenetic location: 7q21.11.
Variant type: single nucleotide variant.
Coding change: c.448A>G on transcript NM_000722.4 (MANE Select); coding-DNA position 448, A replaced by G.
Protein change: p.Ile150Val; replaces isoleucine 150 with valine.
Molecular consequence: missense variant.
Genome position (GRCh38, 1-based): chr7:82,117,122, T>C on the plus strand (A>G on the coding strand, the complement: CACNA2D1 is on the minus strand). VCF-style: chr7-82117122-T-C. GRCh37 (hg19) VCF-style: chr7-81746438-T-C.
Other names: p.Ile150Val; c.448A>G, p.Ile150Val (NM_001302890.2, NM_001366867.1); short protein forms I150V.
Identifiers: ClinVar variation 3379767 (VCV003379767.1).
Genomic context (GRCh38, chr7:82,117,122, plus strand): 5'-TAGGAATATGGACTGCTGCGTGCTGATAAGATATTTGTCGTCCAAAATTAGCATCTTCAA[T>C]GAAAACAGGTTTTATCCTCTGGCTGCCTGGCTCACTGTCATTTTTCTCAGGCTATATAGA-3'
Protein context (NP_000713.2, residues 140-160): PGSQRIKPVF[Ile150Val]EDANFGRQIS

ClinVar aggregate classification (germline): Uncertain significance (1 of 4 stars; one submission).

gnomAD v4.1: 1 of 1,613,900 alleles (0.000062%); highest among the groups gnomAD compares: Middle Eastern, 0.017%; no homozygotes.

Submission:

Mayo Clinic Laboratories, Mayo Clinic
Classification: Uncertain significance. Last evaluated: 2024-09-18. Review status: criteria provided, single submitter. Criteria: ACMG Guidelines, 2015. Collection method: clinical testing. Allele origin: germline. Observed: 1 variant allele.
Comment: BP4, PM2